The following is an entry in ClinVar:

NM_005592.4(MUSK):c.359-2dup

Gene: MUSK (muscle associated receptor tyrosine kinase; plus strand). Cytogenetic location: 9q31.3.
Variant type: Duplication.
Coding change: c.359-2dup on transcript NM_005592.4 (MANE Select); the canonical splice acceptor site of the intron before coding-DNA position 359, one base duplicated (A; older notation c.359-2dupA).
Molecular consequence: splice acceptor variant.
Genome position (GRCh38, 1-based): chr9:110,695,401, A duplicated. VCF-style (leftmost placement, unchanged base first): chr9-110695400-T-TA. GRCh37 (hg19) VCF-style: chr9-113457680-T-TA.
Other names: c.359-2dupA (NM_005592.3); c.359-2dup (NM_001166280.2, NM_001166281.2).
Identifiers: ClinVar variation 435906 (VCV000435906.15), dbSNP rs1185775471, ClinGen allele CA589778720.

ClinVar aggregate classification (germline): Uncertain significance. Review status: criteria provided, multiple submitters, no conflicts (2 of 4 stars). 2 submissions from 2 submitters: Uncertain significance (2). Last evaluated 2023-11-20.

Conditions:
Congenital myasthenic syndrome 9. Also called: Myasthenic syndrome, congenital, 9, associated with acetylcholine receptor deficiency. Identifiers: Orphanet 590, MedGen C4225368, MONDO:0014587, OMIM 616325.
Fetal akinesia deformation sequence 1 (FADS1). Also called: Pena-Shokeir syndrome type I; Fetal akinesia sequence. Identifiers: Orphanet 994, MedGen C1276035, MONDO:0100101, OMIM 208150, HP:0001989.

Allele frequency attached by ClinVar (database versions not stated): gnomAD exomes below 0.00001 and 0.00001.

Submissions (2):

Labcorp Genetics (formerly Invitae), Labcorp
Classification: Uncertain significance for Congenital myasthenic syndrome 9; Fetal akinesia deformation sequence 1. Last evaluated: 2023-11-20. Review status: criteria provided, single submitter. Criteria: Invitae Variant Classification Sherloc (09022015). Collection method: clinical testing. Allele origin: germline.
Comment: This sequence change falls in intron 3 of the MUSK gene. It does not directly change the encoded amino acid sequence of the MUSK protein. It affects a nucleotide within the consensus splice site. This variant is present in population databases (no rsID available, gnomAD no frequency). This variant has not been reported in the literature in individuals affected with MUSK-related conditions. ClinVar contains an entry for this variant (Variation ID: 435906). Variants that disrupt the consensus splice site are a relatively common cause of aberrant splicing (PMID: 17576681, 9536098). In summary, the available evidence is currently insufficient to determine the role of this variant in disease. Therefore, it has been classified as a Variant of Uncertain Significance.

Genetic Services Laboratory, University of Chicago
Classification: Uncertain significance. Last evaluated: 2016-01-05. Review status: criteria provided, single submitter. Criteria: ACMG Guidelines, 2015. Collection method: clinical testing. Allele origin: germline. Affected: no.

Literature cited by the submitters: PubMed 17576681 (cited by Labcorp Genetics (formerly Invitae), Labcorp); PubMed 9536098 (cited by Labcorp Genetics (formerly Invitae), Labcorp).